The following is an entry in ClinVar:

NM_001330260.2(SCN8A):c.1252A>G (p.Asn418Asp)

Gene: SCN8A (sodium voltage-gated channel alpha subunit 8; plus strand). Cytogenetic location: 12q13.13.
Variant type: single nucleotide variant.
Coding change: c.1252A>G on transcript NM_001330260.2 (MANE Select); coding-DNA position 1252, A replaced by G.
Protein change: p.Asn418Asp; replaces asparagine 418 with aspartic acid.
Molecular consequence: missense variant.
Genome position (GRCh38, 1-based): chr12:51,705,534, A>G. VCF-style: chr12-51705534-A-G. GRCh37 (hg19) VCF-style: chr12-52099318-A-G.
Other names: NM_001330260.2(SCN8A):c.1252A>G; p.Asn418Asp; c.1252A>G, p.Asn418Asp (NM_001177984.3, NM_001369788.1, NM_014191.4); c.1252A>G (NM_014191.3); short protein forms N418D.
Identifiers: ClinVar variation 1047527 (VCV001047527.11), dbSNP rs1941769135, ClinGen allele CA385228131.

ClinVar aggregate classification (germline): Likely pathogenic. Review status: reviewed by expert panel (3 of 4 stars). 3 submissions from 3 submitters: Likely pathogenic (1). 2 of the submissions do not count toward it. Last evaluated 2026-05-26.

Conditions:
Complex neurodevelopmental disorder. Identifiers: Orphanet 528084, MedGen C5568766, MONDO:0100038.
Early-infantile DEE. Also called: Early infantile epileptic encephalopathy; Ohtahara syndrome; Early infantile epileptic encephalopathy with suppression bursts. Identifiers: Orphanet 1934, MedGen C0393706, MONDO:0800491.

Submissions (3):

ClinGen Epilepsy Sodium Channel Variant Curation Expert Panel, Clingen
Classification: Likely pathogenic for Complex neurodevelopmental disorder. Last evaluated: 2026-05-26. Review status: reviewed by expert panel. Criteria: ClinGen EpilepsySCN ACMG Specifications SCN8A V2.0.0. Collection method: curation. Allele origin: germline.
Comment: The NM_001330260.2 c.1252A>G variant in SCN8A is a missense variant predicted to cause the substitution of asparagine by aspartic acid at amino acid 418 (p.Asn418Asp). This variant is absent from gnomAD v4.1 (PM2_Supporting). The computational predictor REVEL gives a score of 0.888, which is above the threshold of 0.75, evidence that correlates with impact to SCN8A function (PP3_Moderate). This variant has been identified as a de novo occurrence with confirmed parental relationships in 2 individuals meeting complex neurodevelopmental disorder criteria (PS2; Labcorp (formerly Invitae)- internal database, GeneDx- internal database) [PS2_Met]. This variant has also been reported in 1 additional proband meeting complex neurodevelopmental disorder criteria; GeneDx (internal database) [PS4_Supporting]. In summary, this variant has been classified as Likely Pathogenic for complex neurodevelopmental disorder based on the ACMG/AMP criteria applied, as specified by the Epilepsy Sodium Channel VCEP: PP3_moderate, PM2_supporting, PS2, PS4_Supporting (ClinGen Epilepsy Sodium Channel VCEP SCN8A specifications version 2.0.0 on 05/26/2026).

GeneDx
Classification: Likely pathogenic. Last evaluated: 2024-03-07. Review status: criteria provided, single submitter. Criteria: GeneDx Variant Classification Process June 2021. Collection method: clinical testing. Allele origin: germline. Affected: yes. Not counted in ClinVar's aggregate classification.
Comment: Not observed at significant frequency in large population cohorts (gnomAD); In silico analysis supports that this missense variant has a deleterious effect on protein structure/function; Cytoplasmic loop between the first and second homologous domains; Has not been previously published as pathogenic or benign to our knowledge

Labcorp Genetics (formerly Invitae), Labcorp
Classification: Uncertain significance for Early-infantile DEE. Last evaluated: 2020-06-04. Review status: criteria provided, single submitter. Criteria: Invitae Variant Classification Sherloc (09022015). Collection method: clinical testing. Allele origin: germline. Not counted in ClinVar's aggregate classification.
Comment: This variant has not been reported in the literature in individuals with SCN8A-related conditions. In summary, the available evidence is currently insufficient to determine the role of this variant in disease. Therefore, it has been classified as a Variant of Uncertain Significance. Algorithms developed to predict the effect of missense changes on protein structure and function are either unavailable or do not agree on the potential impact of this missense change (SIFT: "Deleterious"; PolyPhen-2: "Probably Damaging"; Align-GVGD: "Class C0"). This variant is not present in population databases (ExAC no frequency). This sequence change replaces asparagine with aspartic acid at codon 418 of the SCN8A protein (p.Asn418Asp). The asparagine residue is highly conserved and there is a small physicochemical difference between asparagine and aspartic acid.